The following is an entry in ClinVar:

NM_001458.5(FLNC):c.147delinsTCT (p.Lys51fs)

Gene: FLNC (filamin C; plus strand). Cytogenetic location: 7q32.1.
Variant type: Indel.
Coding change: c.147delinsTCT on transcript NM_001458.5 (MANE Select); coding-DNA position 147, C replaced by TCT.
Protein change: p.Lys51fs; shifts the reading frame from lysine 51.
Molecular consequence: frameshift variant.
Genome position (GRCh38, 1-based): chr7:128,830,784, C replaced by TCT. VCF-style: chr7-128830784-C-TCT. GRCh37 (hg19) VCF-style: chr7-128470838-C-TCT.
Other names: c.147delinsTCT, p.Lys51fs (NM_001127487.2); short protein forms K51fs.
Identifiers: ClinVar variation 567163 (VCV000567163.8), dbSNP rs1562988883, ClinGen allele CA891843073.
Genomic context (GRCh38, chr7:128,830,784, plus strand): 5'-GGAGGACGCGCCGTGGAAGAAGATCCAGCAGAACACATTCACGCGCTGGTGCAATGAGCA[C>TCT]CTCAAGTGCGTGGGCAAGCGCCTGACCGACCTGCAGCGCGACCTCAGCGACGGGCTCCGG-3'

ClinVar aggregate classification (germline): Pathogenic (1 of 4 stars; one submission).

Conditions:
Distal myopathy with posterior leg and anterior hand involvement. Also called: WILLIAMS DISTAL MYOPATHY. Identifiers: Orphanet 63273, MedGen C3279722, MONDO:0013550, OMIM 614065.
Myofibrillar myopathy 5. Also called: FILAMINOPATHY, AUTOSOMAL DOMINANT; Filaminopathy (type). Identifiers: Orphanet 171445, MedGen C1836050, MONDO:0012289, OMIM 609524.
Hypertrophic cardiomyopathy 26. Also called: Cardiomyopathy, familial hypertrophic, 26. Identifiers: Orphanet 75249, MedGen C4310749, MONDO:0014883, OMIM 617047.

Submission:

Labcorp Genetics (formerly Invitae), Labcorp
Classification: Pathogenic for Distal myopathy with posterior leg and anterior hand involvement; Myofibrillar myopathy 5; Hypertrophic cardiomyopathy 26. Last evaluated: 2019-07-15. Review status: criteria provided, single submitter. Criteria: Invitae Variant Classification Sherloc (09022015). Collection method: clinical testing. Allele origin: germline.
Comment: This sequence change creates a premature translational stop signal (p.Lys51Serfs*8) in the FLNC gene. It is expected to result in an absent or disrupted protein product. This variant is not present in population databases (ExAC no frequency). This variant has not been reported in the literature in individuals with FLNC-related conditions. Loss-of-function variants in FLNC are known to be pathogenic (PMID: 27908349). For these reasons, this variant has been classified as Pathogenic.

Literature cited by the submitters: PubMed 27908349.